The following is an entry in ClinVar:

NM_003200.5(TCF3):c.1565A>G (p.Lys522Arg)

Gene: TCF3 (transcription factor 3; minus strand). Cytogenetic location: 19p13.3.
Variant type: single nucleotide variant.
Coding change: c.1565A>G on transcript NM_003200.5 (MANE Select); coding-DNA position 1565, A replaced by G.
Protein change: p.Lys522Arg; replaces lysine 522 with arginine.
Molecular consequence: missense variant.
Genome position (GRCh38, 1-based): chr19:1,615,707, T>C on the plus strand (A>G on the coding strand, the complement: TCF3 is on the minus strand). VCF-style: chr19-1615707-T-C. GRCh37 (hg19) VCF-style: chr19-1615706-T-C.
Other names: c.1565A>G, p.Lys522Arg (NM_001136139.4, NM_001351779.2); c.1562A>G, p.Lys521Arg (NM_001351778.2); short protein forms K521R, K522R.
Identifiers: ClinVar variation 2874442 (VCV002874442.3), dbSNP rs985503610, ClinGen allele CA304100252.

ClinVar aggregate classification (germline): Uncertain significance (1 of 4 stars; one submission).

Allele frequency attached by ClinVar (database versions not stated): gnomAD exomes below 0.00001; TOPMed below 0.00001.
gnomAD v4.1: 1 of 1,613,308 alleles (0.000062%); highest among the groups gnomAD compares: Non-Finnish European, 0.000085%; no homozygotes.

Submission:

Labcorp Genetics (formerly Invitae), Labcorp
Classification: Uncertain significance. Last evaluated: 2023-06-16. Review status: criteria provided, single submitter. Criteria: Invitae Variant Classification Sherloc (09022015). Collection method: clinical testing. Allele origin: germline.
Comment: This sequence change replaces lysine, which is basic and polar, with arginine, which is basic and polar, at codon 522 of the TCF3 protein (p.Lys522Arg). This variant is not present in population databases (gnomAD no frequency). This variant has not been reported in the literature in individuals affected with TCF3-related conditions. Advanced modeling of protein sequence and biophysical properties (such as structural, functional, and spatial information, amino acid conservation, physicochemical variation, residue mobility, and thermodynamic stability) performed at Invitae indicates that this missense variant is not expected to disrupt TCF3 protein function. In summary, the available evidence is currently insufficient to determine the role of this variant in disease. Therefore, it has been classified as a Variant of Uncertain Significance.